The following is an entry in ClinVar:

ClinVar aggregate classification (germline): Uncertain significance (1 of 4 stars; one submission).

Submission:

Ambry Genetics
Classification: Uncertain significance. Last evaluated: 2025-10-28. Review status: criteria provided, single submitter. Criteria: Ambry Variant Classification Scheme 2023. Collection method: clinical testing. Allele origin: germline.
Comment: The p.K729E variant (also known as c.2185A>G), located in coding exon 1 of the MLH3 gene, results from an A to G substitution at nucleotide position 2185. The lysine at codon 729 is replaced by glutamic acid, an amino acid with similar properties. This amino acid position is conserved. In addition, this alteration is predicted to be tolerated by in silico analysis. Based on the available evidence, the clinical significance of this variant remains unclear.

NM_001040108.2(MLH3):c.2185A>G (p.Lys729Glu)

Gene: MLH3 (mutL homolog 3; minus strand). Cytogenetic location: 14q24.3.
Variant type: single nucleotide variant.
Coding change: c.2185A>G on transcript NM_001040108.2 (MANE Select); coding-DNA position 2185, A replaced by G.
Protein change: p.Lys729Glu; replaces lysine 729 with glutamic acid.
Molecular consequence: missense variant.
Genome position (GRCh38, 1-based): chr14:75,047,471, T>C on the plus strand (A>G on the coding strand, the complement: MLH3 is on the minus strand). VCF-style: chr14-75047471-T-C. GRCh37 (hg19) VCF-style: chr14-75514174-T-C.
Other names: c.2185A>G, p.Lys729Glu (NM_014381.3); short protein forms K729E.
Identifiers: ClinVar variation 4552106 (VCV004552106.1).